The following is an entry in ClinVar:

ClinVar aggregate classification (germline): Uncertain significance (1 of 4 stars; one submission).

Conditions:
Cardiomyopathy (CMYO). Also called: Cardiomyopathies. Identifiers: Orphanet 167848, MedGen C0878544, MONDO:0004994, HP:0001638. Inheritance: Various modes of inheritance.

Submission:

Color Diagnostics, LLC DBA Color Health
Classification: Uncertain significance for Cardiomyopathy. Last evaluated: 2025-08-22. Review status: criteria provided, single submitter. Criteria: ACMG Guidelines, 2015. Collection method: clinical testing. Allele origin: germline.
Comment: This missense variant replaces alanine with aspartic acid at codon 2655 of the DSP protein. Computational prediction suggests that this variant may have deleterious impact on protein structure and function. A functional study has shown that this variant causes a partial reduction in intermediate filament binding (PMID: 30354334). Clinical relevance of this observation is not known. This variant has been observed in the compound heterozygous state with a pathogenic truncation in the same gene in an individual affected with arrhythmogenic right ventricular cardiomyopathy (PMID: 36580316). It has also been observed in the compound heterozygous state with a pathogenic c.6310delA variant in the same gene in an individual affected with cardiomyopathy, extensive mucocutaneous blisters, epidermolytic palmoplantar keratoderma, nail dystrophy, enamel dysplasia, and sparse woolly hair (PMID: 19924139). The proband's parents and two siblings were single heterozygous for the c.6310delA variant and did not show skin or cardiac symptoms. This variant has not been identified in the general population by the Genome Aggregation Database (gnomAD). The available evidence is insufficient to determine the role of this variant in disease conclusively. Therefore, this variant is classified as a Variant of Uncertain Significance.

Literature cited by the submitters: PubMed 19924139; PubMed 30354334; PubMed 36580316.

NM_004415.4(DSP):c.7964C>A (p.Ala2655Asp)

Gene: DSP (desmoplakin; plus strand). Cytogenetic location: 6p24.3.
Variant type: single nucleotide variant.
Coding change: c.7964C>A on transcript NM_004415.4 (MANE Select); coding-DNA position 7964, C replaced by A.
Protein change: p.Ala2655Asp; replaces alanine 2655 with aspartic acid.
Molecular consequence: missense variant.
Genome position (GRCh38, 1-based): chr6:7,585,226, C>A. VCF-style: chr6-7585226-C-A. GRCh37 (hg19) VCF-style: chr6-7585459-C-A.
Other names: c.6167C>A, p.Ala2056Asp (NM_001008844.3); c.6635C>A, p.Ala2212Asp (NM_001319034.2); short protein forms A2056D, A2655D, A2212D.
Identifiers: ClinVar variation 920986 (VCV000920986.4), dbSNP rs193922671, ClinGen allele CA362694156.